The following is an entry in ClinVar:

NM_020937.4(FANCM):c.2240A>G (p.His747Arg)

Gene: FANCM (FA complementation group M; plus strand). Cytogenetic location: 14q21.2.
Variant type: single nucleotide variant.
Coding change: c.2240A>G on transcript NM_020937.4 (MANE Select); coding-DNA position 2240, A replaced by G.
Protein change: p.His747Arg; replaces histidine 747 with arginine.
Molecular consequence: missense variant.
Genome position (GRCh38, 1-based): chr14:45,173,134, A>G. VCF-style: chr14-45173134-A-G. GRCh37 (hg19) VCF-style: chr14-45642337-A-G.
Other names: c.2240A>G (LRG_502t1); c.2162A>G, p.His721Arg (NM_001308133.2); short protein forms H747R, H721R.
Identifiers: ClinVar variation 313204 (VCV000313204.25), dbSNP rs181827583, ClinGen allele CA7169295.
Genomic context (GRCh38, chr14:45,173,134, plus strand): 5'-GAATTCATCAACTCTCTCTCTCTGAATGGAGACTGTGGCAAGATCATCCTTTGCCTACAC[A>G]TCAAGTTGATCACTCAGATCGATGCCGCCATTTTATAGGCCTTATGCAAATGATAGAGGG-3'
Protein context (NP_065988.1, residues 737-757): RLWQDHPLPT[His747Arg]QVDHSDRCRH

ClinVar aggregate classification (germline): Conflicting classifications of pathogenicity. Review status: criteria provided, conflicting classifications (1 of 4 stars). 4 submissions from 4 submitters: Uncertain significance (1); Likely benign (3). Last evaluated 2026-03-25.

Conditions:
Fanconi anemia (FA). Also called: Fanconi's anemia. Identifiers: Orphanet 84, MedGen C0015625, MeSH D005199, MONDO:0019391.
Hereditary breast ovarian cancer syndrome. Also called: Hereditary breast and ovarian cancer; Breast and ovarian cancer; BRCA1- and BRCA2-Associated Hereditary Breast and Ovarian Cancer; Hereditary breast and ovarian cancer syndrome (HBOC); Hereditary breast and/or ovarian cancer syndrome; Hereditary breast and ovarian cancer syndrome. Identifiers: Orphanet 145, MedGen C0677776, MeSH D061325, MONDO:0003582. Disease mechanism: loss of function.

Allele frequency attached by ClinVar (database versions not stated): gnomAD 0.00011 and 0.00003; gnomAD exomes 0.00012 and 0.00026; 1000 Genomes Project 30x 0.00031; TOPMed 0.00006; ExAC 0.00011; 1000 Genomes Project 0.00040.
gnomAD v4.1: 384 of 1,612,566 alleles (0.024%); highest among the groups gnomAD compares: East Asian, 0.84%; 3 homozygotes.

Submissions (4):

Dasa
Classification: Likely benign. Last evaluated: 2026-03-25. Review status: criteria provided, single submitter. Criteria: DASA Assertion Criteria. Collection method: clinical testing. Allele origin: germline.
Comment: NM_020937.4(FANCM):c.2240A>G (p.His747Arg) is a missense variant that results in the substitution of histidine with arginine. Population frequency is inconsistent with a disease-causing role for this variant. Computational prediction algorithms are consistent with a benign effect. Therefore, based on the currently available evidence, this variant is classified as likely benign.

Labcorp Genetics (formerly Invitae), Labcorp
Classification: Likely benign for Fanconi anemia. Last evaluated: 2026-01-16. Review status: criteria provided, single submitter. Criteria: Invitae Variant Classification Sherloc (09022015). Collection method: clinical testing. Allele origin: germline.

GeneDx
Classification: Uncertain significance. Last evaluated: 2025-01-17. Review status: criteria provided, single submitter. Criteria: GeneDx Variant Classification Process June 2021. Collection method: clinical testing. Allele origin: germline. Affected: yes.
Comment: In silico analysis supports that this missense variant has a deleterious effect on protein structure/function; Has not been previously published as pathogenic or benign to our knowledge; This variant is associated with the following publications: (PMID: 32566746)

Cancer Genomics Group, Japanese Foundation For Cancer Research
Classification: Likely benign for Hereditary breast ovarian cancer syndrome. Last evaluated: 2022-03-30. Review status: criteria provided, single submitter. Criteria: ACMG Guidelines, 2015. Collection method: research. Allele origin: germline. Affected: yes.